The following is an entry in ClinVar:

NM_000132.4(F8):c.4679C>G (p.Pro1560Arg)

Gene: F8 (coagulation factor VIII; minus strand). Cytogenetic location: Xq28.
Variant type: single nucleotide variant.
Coding change: c.4679C>G on transcript NM_000132.4 (MANE Select); coding-DNA position 4679, C replaced by G.
Protein change: p.Pro1560Arg; replaces proline 1560 with arginine.
Molecular consequence: missense variant.
Genome position (GRCh38, 1-based): chrX:154,929,111, G>C on the plus strand (C>G on the coding strand, the complement: F8 is on the minus strand). VCF-style: chrX-154929111-G-C. GRCh37 (hg19) VCF-style: chrX-154157386-G-C.
Other names: short protein forms P1560R.
Identifiers: ClinVar variation 914833 (VCV000914833.4), dbSNP rs782791962, ClinGen allele CA10568082.

ClinVar aggregate classification (germline): Likely benign (1 of 4 stars; one submission).

Conditions:
Hereditary factor VIII deficiency disease (HEMA). Also called: AUTOSOMAL HEMOPHILIA A; Hemophilia A, congenital; HEM A; Factor 8 deficiency, congenital; HEMOPHILIA, CLASSIC; Hemophilia A. Identifiers: Orphanet 98878, MedGen C0019069, MONDO:0010602, OMIM 306700.

Allele frequency attached by ClinVar (database versions not stated): gnomAD below 0.00001 and 0.00002; gnomAD exomes 0.00004 and 0.00013; ExAC 0.00016; 1000 Genomes Project 30x 0.00021; 1000 Genomes Project 0.00026.
gnomAD v4.1: 52 of 1,209,713 alleles (0.0043%); highest among the groups gnomAD compares: South Asian, 0.085%; no homozygotes.

Submission:

Illumina Laboratory Services, Illumina
Classification: Likely benign for Hereditary factor VIII deficiency disease. Last evaluated: 2018-01-13. Review status: criteria provided, single submitter. Criteria: ICSL Variant Classification Criteria 13 December 2019. Collection method: clinical testing. Allele origin: germline.
Comment: This variant was observed in the ICSL laboratory as part of a predisposition screen in an ostensibly healthy population. It had not been previously curated by ICSL or reported in the Human Gene Mutation Database (HGMD: prior to June 1st, 2018), and was therefore a candidate for classification through an automated scoring system. Utilizing variant allele frequency, disease prevalence and penetrance estimates, and inheritance mode, an automated score was calculated to assess if this variant is too frequent to cause the disease. Based on the score and internal cut-off values, a variant classified as likely benign is not then subjected to further curation. The score for this variant resulted in a classification of likely benign for this disease.